The following is an entry in ClinVar:

NM_000492.4(CFTR):c.317T>C (p.Ile106Thr)

Gene: CFTR (CF transmembrane conductance regulator; plus strand). Cytogenetic location: 7q31.2.
Variant type: single nucleotide variant.
Coding change: c.317T>C on transcript NM_000492.4 (MANE Select); coding-DNA position 317, T replaced by C.
Protein change: p.Ile106Thr; replaces isoleucine 106 with threonine.
Molecular consequence: missense variant.
Genome position (GRCh38, 1-based): chr7:117,530,942, T>C. VCF-style: chr7-117530942-T-C. GRCh37 (hg19) VCF-style: chr7-117170996-T-C.
Other names: short protein forms I106T.
Identifiers: ClinVar variation 2037273 (VCV002037273.5), dbSNP rs2485009000, ClinGen allele CA368974353.
Genomic context (GRCh38, chr7:117,530,942, plus strand): 5'-TTTTTCCCCTTTTGTAGGAAGTCACCAAAGCAGTACAGCCTCTCTTACTGGGAAGAATCA[T>C]AGCTTCCTATGACCCGGATAACAAGGAGGAACGCTCTATCGCGATTTATCTAGGCATAGG-3'
Protein context (NP_000483.3, residues 96-116): AVQPLLLGRI[Ile106Thr]ASYDPDNKEE

ClinVar aggregate classification (germline): Uncertain significance. Review status: criteria provided, multiple submitters, no conflicts (2 of 4 stars). 3 submissions from 3 submitters: Uncertain significance (3). Last evaluated 2025-07-17.

Conditions:
Cystic fibrosis (CF). Also called: MUCOVISCIDOSIS. Identifiers: Orphanet 586, MedGen C0010674, MONDO:0009061, OMIM 219700. Disease mechanism: loss of function.

Allele frequency attached by ClinVar (database versions not stated): gnomAD exomes below 0.00001.

Submissions (3):

Ambry Genetics
Classification: Uncertain significance for Cystic fibrosis. Last evaluated: 2025-07-17. Review status: criteria provided, single submitter. Criteria: Ambry Variant Classification Scheme 2023. Collection method: clinical testing. Allele origin: germline.
Comment: The p.I106T variant (also known as c.317T>C), located in coding exon 4 of the CFTR gene, results from a T to C substitution at nucleotide position 317. The isoleucine at codon 106 is replaced by threonine, an amino acid with similar properties. This amino acid position is highly conserved in available vertebrate species. In addition, this alteration is predicted to be deleterious by in silico analysis. Based on the available evidence, the clinical significance of this variant remains unclear.

GeneDx
Classification: Uncertain significance. Last evaluated: 2024-10-31. Review status: criteria provided, single submitter. Criteria: GeneDx Variant Classification Process June 2021. Collection method: clinical testing. Allele origin: germline. Affected: yes.
Comment: Not observed at significant frequency in large population cohorts (gnomAD); In silico analysis supports that this missense variant has a deleterious effect on protein structure/function; Has not been previously published as pathogenic or benign to our knowledge; This variant is associated with the following publications: (PMID: 39062716)

Labcorp Genetics (formerly Invitae), Labcorp
Classification: Uncertain significance for Cystic fibrosis. Last evaluated: 2022-06-26. Review status: criteria provided, single submitter. Criteria: Invitae Variant Classification Sherloc (09022015). Collection method: clinical testing. Allele origin: germline.
Comment: This sequence change replaces isoleucine, which is neutral and non-polar, with threonine, which is neutral and polar, at codon 106 of the CFTR protein (p.Ile106Thr). This variant is not present in population databases (gnomAD no frequency). This variant has not been reported in the literature in individuals affected with CFTR-related conditions. Algorithms developed to predict the effect of missense changes on protein structure and function are either unavailable or do not agree on the potential impact of this missense change (SIFT: "Deleterious"; PolyPhen-2: "Probably Damaging"; Align-GVGD: "Class C0"). In summary, the available evidence is currently insufficient to determine the role of this variant in disease. Therefore, it has been classified as a Variant of Uncertain Significance.